The following is an entry in ClinVar:

ClinVar aggregate classification (germline): Uncertain significance (1 of 4 stars; one submission).

Submission:

Labcorp Genetics (formerly Invitae), Labcorp
Classification: Uncertain significance. Last evaluated: 2022-02-20. Review status: criteria provided, single submitter. Criteria: Invitae Variant Classification Sherloc (09022015). Collection method: clinical testing. Allele origin: germline.
Comment: Algorithms developed to predict the effect of missense changes on protein structure and function are either unavailable or do not agree on the potential impact of this missense change (SIFT: "Deleterious"; PolyPhen-2: "Probably Damaging"; Align-GVGD: "Class C0"). In summary, the available evidence is currently insufficient to determine the role of this variant in disease. Therefore, it has been classified as a Variant of Uncertain Significance. This variant has not been reported in the literature in individuals affected with IL23R-related conditions. This sequence change replaces leucine, which is neutral and non-polar, with serine, which is neutral and polar, at codon 389 of the IL23R protein (p.Leu389Ser). This variant is not present in population databases (gnomAD no frequency).

NM_144701.3(IL23R):c.1166T>C (p.Leu389Ser)

Gene: IL23R (interleukin 23 receptor; plus strand). Cytogenetic location: 1p31.3.
Variant type: single nucleotide variant.
Coding change: c.1166T>C on transcript NM_144701.3 (MANE Select); coding-DNA position 1166, T replaced by C.
Protein change: p.Leu389Ser; replaces leucine 389 with serine.
Molecular consequence: missense variant.
Genome position (GRCh38, 1-based): chr1:67,255,854, T>C. VCF-style: chr1-67255854-T-C. GRCh37 (hg19) VCF-style: chr1-67721537-T-C.
Other names: short protein forms L389S.
Identifiers: ClinVar variation 2100099 (VCV002100099.4), dbSNP rs2525551003, ClinGen allele CA340727104.